The following is an entry in ClinVar:

ClinVar aggregate classification (germline): Pathogenic (0 of 4 stars; one submission).

Conditions:
Fanconi anemia complementation group A (FANCA). Also called: Fanconi anemia, group A; FANCA-Related Fanconi Anemia. Identifiers: Orphanet 84, MedGen C3469521, MONDO:0009215, OMIM 227650.

Submission:

Leiden Open Variation Database
Classification: Pathogenic for Fanconi anemia complementation group A. Last evaluated: 2020-02-28. Review status: no assertion criteria provided. Collection method: curation. Allele origin: germline. Affected: yes.
Comment: Curator: Arleen D. Auerbach. Submitter to LOVD: Arleen D. Auerbach.

Literature cited by the submitters: PubMed 25168418.

NC_000016.10:g.(?_89737551)_(89752222_89758576)del

Genes: FANCA (FA complementation group A; minus strand), ZNF276 (zinc finger protein 276; plus strand). Cytogenetic location: 16q24.3.
Variant type: Deletion.
Identifiers: ClinVar variation 974156 (VCV000974156.1).